The following is an entry in ClinVar:

NM_001353345.2(SETD1B):c.5055G>T (p.Trp1685Cys)

Gene: SETD1B (SET domain containing 1B, histone lysine methyltransferase; plus strand). Cytogenetic location: 12q24.31.
Variant type: single nucleotide variant.
Coding change: c.5055G>T on transcript NM_001353345.2 (MANE Select); coding-DNA position 5055, G replaced by T.
Protein change: p.Trp1685Cys; replaces tryptophan 1685 with cysteine.
Molecular consequence: missense variant.
Genome position (GRCh38, 1-based): chr12:121,823,634, G>T. VCF-style: chr12-121823634-G-T. GRCh37 (hg19) VCF-style: chr12-122261540-G-T.
Other names: short protein forms W1685C.
Identifiers: ClinVar variation 4087891 (VCV004087891.1).

ClinVar aggregate classification (germline): Uncertain significance (1 of 4 stars; one submission).

Submission:

GeneDx
Classification: Uncertain significance. Last evaluated: 2025-03-23. Review status: criteria provided, single submitter. Criteria: GeneDx Variant Classification Process June 2021. Collection method: clinical testing. Allele origin: germline. Affected: yes.
Comment: Not observed at significant frequency in large population cohorts (gnomAD); In silico analysis supports that this missense variant has a deleterious effect on protein structure/function; Has not been previously published as pathogenic or benign to our knowledge